The following is an entry in ClinVar:

NM_000179.3(MSH6):c.2119G>T (p.Glu707Ter)

Gene: MSH6 (mutS homolog 6; plus strand). Cytogenetic location: 2p16.3.
Variant type: single nucleotide variant.
Coding change: c.2119G>T on transcript NM_000179.3 (MANE Select); coding-DNA position 2119, G replaced by T.
Protein change: p.Glu707Ter; replaces glutamic acid 707 with a stop codon.
Molecular consequence: nonsense.
Genome position (GRCh38, 1-based): chr2:47,800,102, G>T. VCF-style: chr2-47800102-G-T. GRCh37 (hg19) VCF-style: chr2-48027241-G-T.
Other names: c.1729G>T, p.Glu577Ter (NM_001281492.2); c.1213G>T, p.Glu405Ter (NM_001281493.2, NM_001281494.2, NM_001406811.1 and 6 more transcripts); c.2215G>T, p.Glu739Ter (NM_001406795.1, NM_001406802.1); c.2119G>T, p.Glu707Ter (NM_001406796.1, NM_001406798.1, NM_001406800.1 and 3 more transcripts); c.1822G>T, p.Glu608Ter (NM_001406797.1, NM_001406801.1, NM_001406805.1 and 10 more transcripts); c.1594G>T, p.Glu532Ter (NM_001406799.1, NM_001406806.1, NM_001406807.1); c.2041G>T, p.Glu681Ter (NM_001406804.1); c.2125G>T, p.Glu709Ter (NM_001406813.1); and 1 more; short protein forms E405*, E532*, E707*, E709*, E577*, E608*, E681*, E651*.
Identifiers: ClinVar variation 1786209 (VCV001786209.3), dbSNP rs2104389632, ClinGen allele CA346750980.

ClinVar aggregate classification (germline): Pathogenic (1 of 4 stars; one submission).

Conditions:
Hereditary cancer-predisposing syndrome. Also called: Neoplastic Syndromes, Hereditary; Tumor predisposition; Hereditary Cancer Syndrome; Hereditary neoplastic syndrome. Identifiers: Orphanet 140162, MedGen C0027672, MeSH D009386, MONDO:0015356.

Submission:

Ambry Genetics
Classification: Pathogenic for Hereditary cancer-predisposing syndrome. Last evaluated: 2025-11-10. Review status: criteria provided, single submitter. Criteria: Ambry Variant Classification Scheme 2023. Collection method: clinical testing. Allele origin: germline.
Comment: The p.E707* pathogenic mutation (also known as c.2119G>T), located in coding exon 4 of the MSH6 gene, results from a G to T substitution at nucleotide position 2119. This changes the amino acid from a glutamic acid to a stop codon within coding exon 4. This variant is considered to be rare based on population cohorts in the Genome Aggregation Database (gnomAD). This alteration is expected to result in loss of function by premature protein truncation or nonsense-mediated mRNA decay. As such, this alteration is interpreted as a disease-causing mutation.